The following is an entry in ClinVar:

ClinVar aggregate classification (germline): Uncertain significance. Review status: criteria provided, multiple submitters, no conflicts (2 of 4 stars). 3 submissions from 3 submitters: Uncertain significance (3). Last evaluated 2024-04-23.

Conditions:
Inborn genetic diseases. Identifiers: MedGen C0950123, MeSH D030342.
Myoglobinuria, acute recurrent, autosomal recessive. Also called: Myoglobinuria, recurrent, autosomal recessive; RHABDOMYOLYSIS, ACUTE RECURRENT; MYOGLOBINURIA, FAMILIAL PAROXYSMAL PARALYTIC. Identifiers: Orphanet 99845, MedGen C1849386, MONDO:0009992, OMIM 268200.

Allele frequency attached by ClinVar (database versions not stated): gnomAD exomes 0.00001; gnomAD 0.00002; TOPMed 0.00002; ExAC 0.00006.
gnomAD v4.1: 27 of 1,614,064 alleles (0.0017%); highest among the groups gnomAD compares: East Asian, 0.022%; no homozygotes.

Submissions (3):

Fulgent Genetics
Classification: Uncertain significance for Myoglobinuria, acute recurrent, autosomal recessive. Last evaluated: 2024-04-23. Review status: criteria provided, single submitter. Criteria: ACMG Guidelines, 2015. Collection method: clinical testing. Allele origin: germline.

Ambry Genetics
Classification: Uncertain significance for Inborn genetic diseases. Last evaluated: 2023-05-18. Review status: criteria provided, single submitter. Criteria: Ambry Variant Classification Scheme 2023. Collection method: clinical testing. Allele origin: germline.

Labcorp Genetics (formerly Invitae), Labcorp
Classification: Uncertain significance. Last evaluated: 2022-08-23. Review status: criteria provided, single submitter. Criteria: Invitae Variant Classification Sherloc (09022015). Collection method: clinical testing. Allele origin: germline.
Comment: This sequence change replaces threonine, which is neutral and polar, with methionine, which is neutral and non-polar, at codon 135 of the LPIN1 protein (p.Thr135Met). This variant is present in population databases (rs757466722, gnomAD 0.06%). This variant has not been reported in the literature in individuals affected with LPIN1-related conditions. Algorithms developed to predict the effect of missense changes on protein structure and function output the following: SIFT: "Tolerated"; PolyPhen-2: "Benign"; Align-GVGD: "Class C0". The methionine amino acid residue is found in multiple mammalian species, which suggests that this missense change does not adversely affect protein function. In summary, the available evidence is currently insufficient to determine the role of this variant in disease. Therefore, it has been classified as a Variant of Uncertain Significance.

NM_001349206.2(LPIN1):c.404C>T (p.Thr135Met)

Gene: LPIN1 (lipin 1; plus strand). Cytogenetic location: 2p25.1.
Variant type: single nucleotide variant.
Coding change: c.404C>T on transcript NM_001349206.2 (MANE Select); coding-DNA position 404, C replaced by T.
Protein change: p.Thr135Met; replaces threonine 135 with methionine.
Molecular consequence: missense variant. On other transcripts: non-coding transcript variant (1).
Genome position (GRCh38, 1-based): chr2:11,771,487, C>T. VCF-style: chr2-11771487-C-T. GRCh37 (hg19) VCF-style: chr2-11911613-C-T.
Other names: c.404C>T (NM_145693.1); c.422C>T, p.Thr141Met (NM_001261427.3); c.551C>T, p.Thr184Met (NM_001261428.3, NM_001349208.2); c.404C>T, p.Thr135Met (NM_001349199.2, NM_001349200.2, NM_001349201.2 and 5 more transcripts); c.494C>T, p.Thr165Met (NM_001349207.2); short protein forms T165M, T184M, T135M, T141M.
Identifiers: ClinVar variation 2180149 (VCV002180149.4), dbSNP rs757466722, ClinGen allele CA1533420.
Genomic context (GRCh38, chr2:11,771,487, plus strand): 5'-GAATGGAATGCCAGCTGAAAAGGGGCTCTGTGGACAGGATGAGAGGCCTGGACCCCAGCA[C>T]GCCAGCCCAAGTGATCGCTCCCAGCGAGACGCCGTCAAGCAGCTCTGTAGTAAAGAAGAG-3'
Protein context (NP_001336135.1, residues 125-145): VDRMRGLDPS[Thr135Met]PAQVIAPSET